The following is an entry in ClinVar:

ClinVar aggregate classification (germline): Uncertain significance (1 of 4 stars; one submission).

Conditions:
Inborn genetic diseases. Identifiers: MedGen C0950123, MeSH D030342.

Allele frequency attached by ClinVar (database versions not stated): gnomAD 0.00001; gnomAD exomes 0.00001.
gnomAD v4.1: 8 of 1,613,584 alleles (0.0005%); no homozygotes.

Submission:

Ambry Genetics
Classification: Uncertain significance for Inborn genetic diseases. Last evaluated: 2024-03-01. Review status: criteria provided, single submitter. Criteria: Ambry Variant Classification Scheme 2023. Collection method: clinical testing. Allele origin: germline.
Comment: The p.Q678P variant (also known as c.2033A>C), located in coding exon 17 of the LRRK2 gene, results from an A to C substitution at nucleotide position 2033. The glutamine at codon 678 is replaced by proline, an amino acid with similar properties. This amino acid position is conserved. In addition, this alteration is predicted to be deleterious by in silico analysis. Since supporting evidence is limited at this time, the clinical significance of this alteration remains unclear.

NM_198578.4(LRRK2):c.2033A>C (p.Gln678Pro)

Gene: LRRK2 (leucine rich repeat kinase 2; plus strand). Cytogenetic location: 12q12.
Variant type: single nucleotide variant.
Coding change: c.2033A>C on transcript NM_198578.4 (MANE Select); coding-DNA position 2033, A replaced by C.
Protein change: p.Gln678Pro; replaces glutamine 678 with proline.
Molecular consequence: missense variant.
Genome position (GRCh38, 1-based): chr12:40,277,979, A>C. VCF-style: chr12-40277979-A-C. GRCh37 (hg19) VCF-style: chr12-40671781-A-C.
Other names: short protein forms Q678P.
Identifiers: ClinVar variation 1784781 (VCV001784781.2), dbSNP rs1206357993, ClinGen allele CA384404641.
Genomic context (GRCh38, chr12:40,277,979, plus strand): 5'-TGTCAGCATCTTTTTCTAAGCTGCTGGTGCATCATTCATTTGACTTAGTAATATTCCATC[A>C]AATGTCTTCCAATATCATGGAACAAAAGGATCAACAGGTACAGTGTTTTTCACTTGCATC-3'
Protein context (NP_940980.4, residues 668-688): HHSFDLVIFH[Gln678Pro]MSSNIMEQKD